The following is an entry in ClinVar:

ClinVar aggregate classification (germline): Uncertain significance (1 of 4 stars; one submission).

Conditions:
Familial thoracic aortic aneurysm and aortic dissection (TAAD). Also called: Thoracic aortic aneurysms and dissections. Identifiers: Orphanet 91387, MedGen C4707243, MONDO:0019625.

gnomAD v4.1: 1 of 1,613,926 alleles (0.000062%); highest among the groups gnomAD compares: Non-Finnish European, 0.000085%; no homozygotes.

Submission:

Ambry Genetics
Classification: Uncertain significance for Familial thoracic aortic aneurysm and aortic dissection. Last evaluated: 2022-02-22. Review status: criteria provided, single submitter. Criteria: Ambry Variant Classification Scheme 2023. Collection method: clinical testing. Allele origin: germline.
Comment: The p.R609L variant (also known as c.1826G>T), located in coding exon 16 of the COL5A1 gene, results from a G to T substitution at nucleotide position 1826. The arginine at codon 609 is replaced by leucine, an amino acid with dissimilar properties. This amino acid position is highly conserved in available vertebrate species. In addition, the in silico prediction for this alteration is inconclusive. Since supporting evidence is limited at this time, the clinical significance of this alteration remains unclear.

NM_000093.5(COL5A1):c.1826G>T (p.Arg609Leu)

Gene: COL5A1 (collagen type V alpha 1 chain; plus strand). Cytogenetic location: 9q34.3.
Variant type: single nucleotide variant.
Coding change: c.1826G>T on transcript NM_000093.5 (MANE Select); coding-DNA position 1826, G replaced by T.
Protein change: p.Arg609Leu; replaces arginine 609 with leucine.
Molecular consequence: missense variant.
Genome position (GRCh38, 1-based): chr9:134,754,325, G>T. VCF-style: chr9-134754325-G-T. GRCh37 (hg19) VCF-style: chr9-137646171-G-T.
Other names: c.1826G>T, p.Arg609Leu (NM_001278074.1); short protein forms R609L.
Identifiers: ClinVar variation 1780854 (VCV001780854.2), dbSNP rs188430069, ClinGen allele CA375445055.